The following is an entry in ClinVar:

ClinVar aggregate classification (germline): Uncertain significance. Review status: criteria provided, multiple submitters, no conflicts (2 of 4 stars). 2 submissions from 2 submitters: Uncertain significance (2). Last evaluated 2024-04-10.

Conditions:
Gastrointestinal stromal tumor. Also called: Gastrointestinal stroma tumor; Gastrointestinal stromal tumor, somatic. Identifiers: Orphanet 44890, MedGen C0238198, MeSH D046152, MONDO:0011719, OMIM 606764, HP:0100723.
Hereditary cancer-predisposing syndrome. Also called: Tumor predisposition; Hereditary Cancer Syndrome; Hereditary neoplastic syndrome; Neoplastic Syndromes, Hereditary. Identifiers: Orphanet 140162, MedGen C0027672, MeSH D009386, MONDO:0015356.

Submissions (2):

Labcorp Genetics (formerly Invitae), Labcorp
Classification: Uncertain significance for Gastrointestinal stromal tumor. Last evaluated: 2024-04-10. Review status: criteria provided, single submitter. Criteria: Invitae Variant Classification Sherloc (09022015). Collection method: clinical testing. Allele origin: germline.
Comment: This sequence change replaces alanine, which is neutral and non-polar, with glutamic acid, which is acidic and polar, at codon 482 of the KIT protein (p.Ala482Glu). This variant is not present in population databases (gnomAD no frequency). This variant has not been reported in the literature in individuals affected with KIT-related conditions. ClinVar contains an entry for this variant (Variation ID: 1372178). An algorithm developed to predict the effect of missense changes on protein structure and function (PolyPhen-2) suggests that this variant is likely to be tolerated. In summary, the available evidence is currently insufficient to determine the role of this variant in disease. Therefore, it has been classified as a Variant of Uncertain Significance.

Ambry Genetics
Classification: Uncertain significance for Hereditary cancer-predisposing syndrome. Last evaluated: 2021-10-26. Review status: criteria provided, single submitter. Criteria: Ambry Variant Classification Scheme 2023. Collection method: clinical testing. Allele origin: germline.
Comment: The p.A482E variant (also known as c.1445C>A), located in coding exon 9 of the KIT gene, results from a C to A substitution at nucleotide position 1445. The alanine at codon 482 is replaced by glutamic acid, an amino acid with dissimilar properties. This amino acid position is conserved. In addition, this alteration is predicted to be tolerated by in silico analysis. Since supporting evidence is limited at this time, the clinical significance of this alteration remains unclear.

NM_000222.3(KIT):c.1445C>A (p.Ala482Glu)

Gene: KIT (KIT proto-oncogene, receptor tyrosine kinase; plus strand). Cytogenetic location: 4q12.
Variant type: single nucleotide variant.
Coding change: c.1445C>A on transcript NM_000222.3 (MANE Select); coding-DNA position 1445, C replaced by A.
Protein change: p.Ala482Glu; replaces alanine 482 with glutamic acid.
Molecular consequence: missense variant.
Genome position (GRCh38, 1-based): chr4:54,725,955, C>A. VCF-style: chr4-54725955-C-A. GRCh37 (hg19) VCF-style: chr4-55592121-C-A.
Other names: c.1445C>A, p.Ala482Glu (NM_001093772.2, NM_001385285.1, NM_001385286.1); c.1448C>A, p.Ala483Glu (NM_001385284.1, NM_001385288.1, NM_001385290.1 and 1 more transcripts); short protein forms A482E, A483E.
Identifiers: ClinVar variation 1372178 (VCV001372178.8), dbSNP rs2109769025, ClinGen allele CA356906410.